The following is an entry in ClinVar:

ClinVar aggregate classification (germline): Uncertain significance (1 of 4 stars; one submission).

Submission:

Dasa
Classification: Uncertain significance. Last evaluated: 2025-10-31. Review status: criteria provided, single submitter. Criteria: DASA Assertion Criteria. Collection method: clinical testing. Allele origin: germline.
Comment: NM_173602.3(DIP2B):c.3493A>G (p.Met1165Val) is a missense variant that results in the substitution of methionine with valine. This variant is absent from population databases. The currently available literature and clinical evidence are not sufficient to establish a definitive association between this variant and the reported condition. Therefore, this variant is classified as a variant of uncertain significance.

NM_173602.3(DIP2B):c.3493A>G (p.Met1165Val)

Gene: DIP2B (DIP2 acetate--CoA ligase B (putative); plus strand). Cytogenetic location: 12q13.12.
Variant type: single nucleotide variant.
Coding change: c.3493A>G on transcript NM_173602.3 (MANE Select); coding-DNA position 3493, A replaced by G.
Protein change: p.Met1165Val; replaces methionine 1165 with valine.
Molecular consequence: missense variant.
Genome position (GRCh38, 1-based): chr12:50,727,795, A>G. VCF-style: chr12-50727795-A-G. GRCh37 (hg19) VCF-style: chr12-51121578-A-G.
Other names: short protein forms M1165V.
Identifiers: ClinVar variation 4885770 (VCV004885770.2).